The following is an entry in ClinVar:

NM_006904.7(PRKDC):c.163A>G (p.Thr55Ala)

Gene: PRKDC (protein kinase, DNA-activated, catalytic subunit; minus strand). Cytogenetic location: 8q11.21.
Variant type: single nucleotide variant.
Coding change: c.163A>G on transcript NM_006904.7 (MANE Select); coding-DNA position 163, A replaced by G.
Protein change: p.Thr55Ala; replaces threonine 55 with alanine.
Molecular consequence: missense variant.
Genome position (GRCh38, 1-based): chr8:47,957,423, T>C on the plus strand (A>G on the coding strand, the complement: PRKDC is on the minus strand). VCF-style: chr8-47957423-T-C. GRCh37 (hg19) VCF-style: chr8-48869983-T-C.
Other names: c.163A>G, p.Thr55Ala (NM_001081640.2); short protein forms T55A.
Identifiers: ClinVar variation 3310185 (VCV003310185.1).

ClinVar aggregate classification (germline): Uncertain significance (1 of 4 stars; one submission).

Submission:

Ambry Genetics
Classification: Uncertain significance. Last evaluated: 2024-06-16. Review status: criteria provided, single submitter. Criteria: Ambry Variant Classification Scheme 2023. Collection method: clinical testing. Allele origin: germline.
Comment: The p.T55A variant (also known as c.163A>G), located in coding exon 2 of the PRKDC gene, results from an A to G substitution at nucleotide position 163. The threonine at codon 55 is replaced by alanine, an amino acid with similar properties. This amino acid position is conserved. In addition, this alteration is predicted to be tolerated by in silico analysis. Based on the available evidence, the clinical significance of this variant remains unclear.